The following is an entry in ClinVar:

ClinVar aggregate classification (germline): Pathogenic (1 of 4 stars; one submission).

Conditions:
Birt-Hogg-Dube syndrome. Also called: Birt Hogg Dubé syndrome. Identifiers: Orphanet 122, MedGen C0346010, MONDO:0800444.

Submission:

Labcorp Genetics (formerly Invitae), Labcorp
Classification: Pathogenic for Multiple fibrofolliculomas. Last evaluated: 2018-07-31. Review status: criteria provided, single submitter. Criteria: Invitae Variant Classification Sherloc (09022015). Collection method: clinical testing. Allele origin: germline.
Comment: This variant is a sub-genic deletion of the genomic region encompassing exons 11-13 of the FLCN gene. While this deletion is not anticipated to result in nonsense mediated decay, it is expected to create a truncated protein product. This variant has not been reported in the literature in individuals with FLCN-related disease. A different truncations (p.Arg527*) that lies downstream of this variant has been determined to be pathogenic (PMID: 15852235,Â¬â€ Invitae). This suggests that deletion of C-terminal domain of the FLCN protein is causative of disease. Loss-of-function variants in FLCN are known to be pathogenic (PMID: 15852235). For these reasons, this variant has been classified as Pathogenic.

Literature cited by the submitters: PubMed 15852235.

NM_144997.7(FLCN):c.1177-169_1538del

Gene: FLCN (folliculin; minus strand). Cytogenetic location: 17p11.2.
Variant type: Deletion.
Coding change: c.1177-169_1538del on transcript NM_144997.7 (MANE Select); 169 bases into the intron before coding-DNA position 1177 through coding-DNA position 1538, 1,688 bases deleted.
Molecular consequence: splice acceptor variant, splice donor variant.
Genome position (GRCh38, 1-based): chr17:17,214,985-17,216,672, 1,688 bases deleted. GRCh37 (hg19): chr17:17,118,300-17,119,987.
Other names: c.1177-169_1538del (NM_001353231.2, NM_001353230.2, LRG_325t1); c.1231-169_1592del (NM_001353229.2).
Identifiers: ClinVar variation 638865 (VCV000638865.1), ClinGen allele CA915949596.